The following is an entry in ClinVar:

ClinVar aggregate classification (germline): Likely benign (1 of 4 stars; one submission).

gnomAD v4.1: 17 of 1,612,882 alleles (0.0011%); highest among the groups gnomAD compares: Middle Eastern, 0.016%; no homozygotes.

Submission:

CeGaT Center for Human Genetics Tuebingen
Classification: Likely benign. Last evaluated: 2025-07-01. Review status: criteria provided, single submitter. Criteria: CeGaT Center For Human Genetics Tuebingen Variant Classification Criteria Version 2. Collection method: clinical testing. Allele origin: germline. Affected: yes. Observed: 1 variant allele.
Comment: SPTBN2: BP4, BP7

NM_006946.4(SPTBN2):c.1881C>T (p.Cys627=)

Gene: SPTBN2 (spectrin beta, non-erythrocytic 2; minus strand). Cytogenetic location: 11q13.2.
Variant type: single nucleotide variant.
Coding change: c.1881C>T on transcript NM_006946.4 (MANE Select); coding-DNA position 1881, C replaced by T.
Protein change: p.Cys627=; no amino-acid change (cysteine 627 retained).
Molecular consequence: synonymous variant.
Genome position (GRCh38, 1-based): chr11:66,705,395, G>A on the plus strand (C>T on the coding strand, the complement: SPTBN2 is on the minus strand). VCF-style: chr11-66705395-G-A. GRCh37 (hg19) VCF-style: chr11-66472866-G-A.
Other names: c.1902C>T, p.Cys634= (NM_001411025.1); c.1881C>T, p.Cys627= (NM_001437541.1).
Identifiers: ClinVar variation 4083850 (VCV004083850.8).